The following is an entry in ClinVar:

NM_015512.5(DNAH1):c.9701T>C (p.Ile3234Thr)

Gene: DNAH1 (dynein axonemal heavy chain 1; plus strand). Cytogenetic location: 3p21.1.
Variant type: single nucleotide variant.
Coding change: c.9701T>C on transcript NM_015512.5 (MANE Select); coding-DNA position 9701, T replaced by C.
Protein change: p.Ile3234Thr; replaces isoleucine 3234 with threonine.
Molecular consequence: missense variant.
Genome position (GRCh38, 1-based): chr3:52,391,014, T>C. VCF-style: chr3-52391014-T-C. GRCh37 (hg19) VCF-style: chr3-52425030-T-C.
Other names: short protein forms I3234T.
Identifiers: ClinVar variation 4794943 (VCV004794943.1).
Genomic context (GRCh38, chr3:52,391,014, plus strand): 5'-ACACACTGTCAGTGGAGAACGGGGTCATCAACCAGTTTTCCCAGCGCTGGACCCACTTCA[T>C]TGACCCTCAGAGCCAGGCCAACAAATGGATCAAGAACATGGTGAGCCCACCCACCAGGCA-3'
Protein context (NP_056327.4, residues 3224-3244): NQFSQRWTHF[Ile3234Thr]DPQSQANKWI

ClinVar aggregate classification (germline): Uncertain significance (1 of 4 stars; one submission).

Conditions:
Spermatogenic failure 18. Identifiers: MedGen C4539783, MONDO:0054615, OMIM 617576.
Ciliary dyskinesia, primary, 37 (CILD37). Also called: CILIARY DYSKINESIA, PRIMARY, 37, WITH OR WITHOUT SITUS INVERSUS. Identifiers: MedGen C4539798, MONDO:0033204, OMIM 617577.

gnomAD v4.1: 2 of 1,556,052 alleles (0.00013%); highest among the groups gnomAD compares: East Asian, 0.0024%; no homozygotes.

Submission:

Labcorp Genetics (formerly Invitae), Labcorp
Classification: Uncertain significance for Ciliary dyskinesia, primary, 37; Spermatogenic failure 18. Last evaluated: 2026-01-14. Review status: criteria provided, single submitter. Criteria: Invitae Variant Classification Sherloc (09022015). Collection method: clinical testing. Allele origin: germline.
Comment: This sequence change replaces isoleucine, which is neutral and non-polar, with threonine, which is neutral and polar, at codon 3234 of the DNAH1 protein (p.Ile3234Thr). The frequency data for this variant in the population databases is considered unreliable, as metrics indicate poor data quality at this position in the gnomAD database. This variant has not been reported in the literature in individuals affected with DNAH1-related conditions. Invitae Evidence Modeling of protein sequence and biophysical properties (such as structural, functional, and spatial information, amino acid conservation, physicochemical variation, residue mobility, and thermodynamic stability) indicates that this missense variant is expected to disrupt DNAH1 protein function with a positive predictive value of 80%. In summary, the available evidence is currently insufficient to determine the role of this variant in disease. Therefore, it has been classified as a Variant of Uncertain Significance.